The following is an entry in ClinVar:

NM_020822.3(KCNT1):c.760-110_760-109insACAGGTGTGGCCAGGTGCAGGCTGCCCCATGGGCCTCAGCCGAGACACAGGTGTGGCCAGGTGTAGGCTGCCCCGTGGGCCTCAGCCGAGAC

Gene: KCNT1 (potassium sodium-activated channel subfamily T member 1; plus strand). Cytogenetic location: 9q34.3.
Variant type: Insertion.
Coding change: c.760-110_760-109insACAGGTGTGGCCAGGTGCAGGCTGCCCCATGGGCCTCAGCCGAGACACAGGTGTGGCCAGGTGTAGGCTGCCCCGTGGGCCTCAGCCGAGAC on transcript NM_020822.3 (MANE Select); 110 bases into the intron before coding-DNA position 760 through 109 bases into the intron before coding-DNA position 760, ACAGGTGTGGCCAGGTGCAGGCTGCCCCATGGGCCTCAGCCGAGACACAGGTGTGGCCAGGTGTAGGCTGCCCCGTGGGCCTCAGCCGAGAC inserted.
Molecular consequence: intron variant.
Genome position: GRCh38: chr9:135,758,304-135,758,305. GRCh37 (hg19): chr9:138,650,150-138,650,151.
Other names: c.616-110_616-109insACAGGTGTGGCCAGGTGCAGGCTGCCCCATGGGCCTCAGCCGAGACACAGGTGTGGCCAGGTGTAGGCTGCCCCGTGGGCCTCAGCCGAGAC (NM_001272003.2).
Identifiers: ClinVar variation 682097 (VCV000682097.1), dbSNP rs1564353885, ClinGen allele CA591142517.

ClinVar aggregate classification (germline): Benign (1 of 4 stars; one submission).

Submission:

GeneDx
Classification: Benign. Last evaluated: 2018-06-18. Review status: criteria provided, single submitter. Criteria: GeneDx Variant Classification (06012015). Collection method: clinical testing. Allele origin: germline. Affected: yes.
Comment: This variant is considered likely benign or benign based on one or more of the following criteria: it is a conservative change, it occurs at a poorly conserved position in the protein, it is predicted to be benign by multiple in silico algorithms, and/or has population frequency not consistent with disease.